The following is an entry in ClinVar:

NM_000152.5(GAA):c.856del (p.Thr286fs)

Gene: GAA (alpha glucosidase; plus strand). Cytogenetic location: 17q25.3.
Variant type: Deletion.
Coding change: c.856del on transcript NM_000152.5 (MANE Select); coding-DNA position 856, one base deleted (A; older notation c.856delA).
Protein change: p.Thr286fs; shifts the reading frame from threonine 286.
Molecular consequence: frameshift variant.
Genome position (GRCh38, 1-based): chr17:80,107,720, A deleted. VCF-style (leftmost placement, unchanged base first): chr17-80107719-CA-C. GRCh37 (hg19) VCF-style: chr17-78081518-CA-C.
Other names: c.856del, p.Thr286fs (NM_001079803.3, NM_001079804.3, NM_001406741.1 and 1 more transcripts); short protein forms T286fs.
Identifiers: ClinVar variation 2850233 (VCV002850233.3), dbSNP rs2510358559, ClinGen allele CA2739268463.

ClinVar aggregate classification (germline): Pathogenic (1 of 4 stars; one submission).

Conditions:
Glycogen storage disease, type II (IOPD). Also called: CARDIOMEGALIA GLYCOGENICA DIFFUSA; Glucosidase acid-1,4-alpha deficiency; Pompe Disease; GLYCOGENOSIS, GENERALIZED, CARDIAC FORM; GSD II; Glycogen storage disease type 2. Identifiers: Orphanet 365, MedGen C0017921, MONDO:0009290, OMIM 232300.

Submission:

Labcorp Genetics (formerly Invitae), Labcorp
Classification: Pathogenic for Glycogen storage disease, type II. Last evaluated: 2023-03-28. Review status: criteria provided, single submitter. Criteria: Invitae Variant Classification Sherloc (09022015). Collection method: clinical testing. Allele origin: germline.
Comment: For these reasons, this variant has been classified as Pathogenic. This variant has not been reported in the literature in individuals affected with GAA-related conditions. This variant is not present in population databases (gnomAD no frequency). This sequence change creates a premature translational stop signal (p.Thr286Argfs*28) in the GAA gene. It is expected to result in an absent or disrupted protein product. Loss-of-function variants in GAA are known to be pathogenic (PMID: 18425781, 22252923).

Literature cited by the submitters: PubMed 18425781; PubMed 22252923.